The following is an entry in ClinVar:

NM_002732.4(PRKACG):c.239T>C (p.Val80Ala)

Gene: PRKACG (protein kinase cAMP-activated catalytic subunit gamma; minus strand). Cytogenetic location: 9q21.11.
Variant type: single nucleotide variant.
Coding change: c.239T>C on transcript NM_002732.4 (MANE Select); coding-DNA position 239, T replaced by C.
Protein change: p.Val80Ala; replaces valine 80 with alanine.
Molecular consequence: missense variant.
Genome position (GRCh38, 1-based): chr9:69,013,854, A>G on the plus strand (T>C on the coding strand, the complement: PRKACG is on the minus strand). VCF-style: chr9-69013854-A-G. GRCh37 (hg19) VCF-style: chr9-71628770-A-G.
Other names: short protein forms V80A.
Identifiers: ClinVar variation 1337516 (VCV001337516.7), dbSNP rs148063597, ClinGen allele CA5072554.

ClinVar aggregate classification (germline): Uncertain significance. Review status: criteria provided, multiple submitters, no conflicts (2 of 4 stars). 3 submissions from 3 submitters: Uncertain significance (2). 1 of the submissions does not count toward it. Last evaluated 2024-11-13.

Conditions:
PRKACG-related disorder. Also called: PRKACG-related condition.

Allele frequency attached by ClinVar (database versions not stated): gnomAD exomes 0.00010 and 0.00034; ExAC 0.00042; 1000 Genomes Project 0.00100; 1000 Genomes Project 30x 0.00109; gnomAD 0.00123 and 0.00135; TOPMed 0.00164; ESP Exome Variant Server 0.00231.

Submissions (3):

Blueprint Genetics
Classification: Uncertain significance. Last evaluated: 2024-11-13. Review status: criteria provided, single submitter. Criteria: ACMG Guidelines, 2015. Collection method: clinical testing. Allele origin: germline.

Genetic Services Laboratory, University of Chicago
Classification: Uncertain significance. Last evaluated: 2021-11-22. Review status: criteria provided, single submitter. Criteria: ACMG Guidelines, 2015. Collection method: clinical testing. Allele origin: germline. Affected: no.
Comment: DNA sequence analysis of the PRKACG gene demonstrated a sequence change, c.239T>C, in exon 1 that results in an amino acid change, p.Val80Ala. This sequence change has been described in the gnomAD database with a frequency of 0.48% in the African/African American subpopulation (dbSNP rs148063597). The p.Val80Ala change affects a highly conserved amino acid residue located in a domain of the PRKACG protein that is known to be functional. In-silico pathogenicity prediction tools (SIFT, PolyPhen2, Align GVGD, REVEL) provide contradictory results for the p.Val80Ala substitution. This sequence change does not appear to have been previously described in individuals with PRKACG-related disorders. Due to insufficient evidences and the lack of functional studies, the clinical significance of the p.Val80Ala change remains unknown at this time.

PreventionGenetics, part of Exact Sciences
Classification: Likely benign for PRKACG-related condition. Last evaluated: 2021-01-11. Review status: no assertion criteria provided. Collection method: clinical testing. Allele origin: germline. Not counted in ClinVar's aggregate classification.
Comment: This variant is classified as likely benign based on ACMG/AMP sequence variant interpretation guidelines (Richards et al. 2015 PMID: 25741868, with internal and published modifications).